The following is an entry in ClinVar:

NM_198525.3(KIF7):c.3960T>A (p.Pro1320=)

Gene: KIF7 (kinesin family member 7; minus strand). Cytogenetic location: 15q26.1.
Variant type: single nucleotide variant.
Coding change: c.3960T>A on transcript NM_198525.3 (MANE Select); coding-DNA position 3960, T replaced by A.
Protein change: p.Pro1320=; no amino-acid change (proline 1320 retained).
Molecular consequence: synonymous variant.
Genome position (GRCh38, 1-based): chr15:89,628,491, A>T on the plus strand (T>A on the coding strand, the complement: KIF7 is on the minus strand). VCF-style: chr15-89628491-A-T. GRCh37 (hg19) VCF-style: chr15-90171722-A-T.
Identifiers: ClinVar variation 263153 (VCV000263153.58), dbSNP rs141028210, ClinGen allele CA7727468.

ClinVar aggregate classification (germline): Conflicting classifications of pathogenicity. Review status: criteria provided, conflicting classifications (1 of 4 stars). 7 submissions from 7 submitters: Uncertain significance (2); Benign (1); Likely benign (4). Last evaluated 2026-09-01.

Conditions:
Acrocallosal syndrome (ACLS). Also called: Schinzel syndrome 1; Absence of corpus callosum with unusual facial appearance, mental deficiency, duplication of the halluces and polydactyly; HALLUX DUPLICATION, POSTAXIAL POLYDACTYLY, AND ABSENCE OF CORPUS CALLOSUM. Identifiers: Orphanet 36, MedGen C0796147, MONDO:0008708, OMIM 200990.

Allele frequency attached by ClinVar (database versions not stated): 1000 Genomes Project 0.00060; 1000 Genomes Project 30x 0.00062; gnomAD exomes 0.00088 and 0.00100; gnomAD 0.00092 and 0.00094; ExAC 0.00098; TOPMed 0.00101; ESP Exome Variant Server 0.00139.

Submissions (7):

CeGaT Center for Human Genetics Tuebingen
Classification: Likely benign. Last evaluated: 2026-09-01. Review status: criteria provided, single submitter. Criteria: CeGaT Center For Human Genetics Tuebingen Variant Classification Criteria Version 2. Collection method: clinical testing. Allele origin: germline. Affected: yes. Observed: 14 variant alleles.
Comment: KIF7: BP4, BP7

Labcorp Genetics (formerly Invitae), Labcorp
Classification: Likely benign for Acrocallosal syndrome. Last evaluated: 2026-01-19. Review status: criteria provided, single submitter. Criteria: Invitae Variant Classification Sherloc (09022015). Collection method: clinical testing. Allele origin: germline.

Blueprint Genetics
Classification: Likely benign. Last evaluated: 2024-11-26. Review status: criteria provided, single submitter. Criteria: ACMG Guidelines, 2015. Collection method: clinical testing. Allele origin: germline.

Illumina Laboratory Services, Illumina
Classification: Uncertain significance for Acrocallosal syndrome. Last evaluated: 2018-01-13. Review status: criteria provided, single submitter. Criteria: ICSL Variant Classification Criteria 13 December 2019. Collection method: clinical testing. Allele origin: germline.

Eurofins Ntd Llc (ga)
Classification: Uncertain significance. Last evaluated: 2017-02-09. Review status: criteria provided, single submitter. Criteria: EGL Classification Definitions 2015. Collection method: clinical testing. Allele origin: germline. Observed: 2 variant alleles, 2 heterozygotes.

GeneDx
Classification: Benign. Last evaluated: 2015-03-03. Review status: criteria provided, single submitter. Criteria: GeneDx Variant Classification Process June 2021. Collection method: clinical testing. Allele origin: germline. Affected: yes.

PreventionGenetics, part of Exact Sciences
Classification: Likely benign. Review status: criteria provided, single submitter. Criteria: ACMG Guidelines, 2015. Collection method: clinical testing. Allele origin: germline.